The following is an entry in ClinVar:

ClinVar aggregate classification (germline): Likely benign. Review status: criteria provided, multiple submitters, no conflicts (2 of 4 stars). 2 submissions from 2 submitters: Likely benign (2). Last evaluated 2026-01-01.

Conditions:
Progressive sclerosing poliodystrophy (MTDPS4A). Also called: Alpers Syndrome; ALPERS PROGRESSIVE INFANTILE POLIODYSTROPHY; ALPERS DIFFUSE DEGENERATION OF CEREBRAL GRAY MATTER WITH HEPATIC CIRRHOSIS; Alpers-Huttenlocher Syndrome; Mitochondrial DNA depletion syndrome 4A (Alpers type); Mitochondrial DNA Depletion Syndrome 4A. Identifiers: Orphanet 726, MedGen C0205710, MONDO:0008758, OMIM 203700.

Allele frequency attached by ClinVar (database versions not stated): ExAC 0.00001.
gnomAD v4.1: 4 of 1,613,974 alleles (0.00025%); highest among the groups gnomAD compares: Non-Finnish European, 0.00034%; no homozygotes.

Submissions (2):

CeGaT Center for Human Genetics Tuebingen
Classification: Likely benign. Last evaluated: 2026-01-01. Review status: criteria provided, single submitter. Criteria: CeGaT Center For Human Genetics Tuebingen Variant Classification Criteria Version 2. Collection method: clinical testing. Allele origin: germline. Affected: yes. Observed: 1 variant allele.
Comment: POLG: BP4, BP7

Labcorp Genetics (formerly Invitae), Labcorp
Classification: Likely benign for Progressive sclerosing poliodystrophy. Last evaluated: 2022-09-01. Review status: criteria provided, single submitter. Criteria: Invitae Variant Classification Sherloc (09022015). Collection method: clinical testing. Allele origin: germline.

NM_002693.3(POLG):c.2022C>T (p.Gly674=)

Gene: POLG (DNA polymerase gamma, catalytic subunit; minus strand). Cytogenetic location: 15q26.1.
Variant type: single nucleotide variant.
Coding change: c.2022C>T on transcript NM_002693.3 (MANE Select); coding-DNA position 2022, C replaced by T.
Protein change: p.Gly674=; no amino-acid change (glycine 674 retained).
Molecular consequence: synonymous variant.
Genome position (GRCh38, 1-based): chr15:89,324,155, G>A on the plus strand (C>T on the coding strand, the complement: POLG is on the minus strand). VCF-style: chr15-89324155-G-A. GRCh37 (hg19) VCF-style: chr15-89867386-G-A.
Other names: c.2022C>T, p.Gly674= (NM_001126131.2).
Identifiers: ClinVar variation 1027304 (VCV001027304.16), dbSNP rs778484334, ClinGen allele CA7724617.